The following is an entry in ClinVar:

NC_000015.10:g.(?_48460226)_(48460337_?)del

Gene: FBN1 (fibrillin 1; minus strand). Cytogenetic location: 15q21.1.
Variant type: Deletion.
Identifiers: ClinVar variation 583489 (VCV000583489.7).

ClinVar aggregate classification (germline): Pathogenic (1 of 4 stars; one submission).

Conditions:
Familial thoracic aortic aneurysm and aortic dissection (TAAD). Also called: Thoracic aortic aneurysms and dissections. Identifiers: Orphanet 91387, MedGen C4707243, MONDO:0019625.
Marfan syndrome (MFS). Also called: FBN1-Related Marfan Syndrome; Marfan syndrome type 1; Marfan's syndrome; Marfan syndrome, classic; MARFAN SYNDROME, TYPE I. Identifiers: Orphanet 284963, Orphanet 558, MedGen C0024796, MONDO:0007947, OMIM 154700.

Submission:

Labcorp Genetics (formerly Invitae), Labcorp
Classification: Pathogenic for Marfan syndrome; Familial thoracic aortic aneurysm and aortic dissection. Last evaluated: 2018-05-15. Review status: criteria provided, single submitter. Criteria: Invitae Variant Classification Sherloc (09022015). Collection method: clinical testing. Allele origin: germline.
Comment: This variant is an in-frame deletion of the genomic region encompassing exon 43 of the FBN1 gene. It preserves the integrity of the reading frame. This variant has not been reported in the literature in individuals with FBN1-related disease. For these reasons, this variant has been classified as Pathogenic. This variant deletes the last 16 amino acids from the FBN1 TGFBP domain #5, including p.Cys1748. Cysteine residues in these domains are believed to be involved in intramolecular disulfide bridges and to be important for FBN1 structure. Although the exact function of the FBN1 TGFBP domains has not being elucidated (PMID: 10930463, 27437668), missense substitutions within the TGFBP domains affecting cysteine residues are significantly overrepresented among patients with Marfan syndrome (PMID: 16571647, 17701892).

Literature cited by the submitters: PubMed 10930463; PubMed 27437668; PubMed 16571647; PubMed 17701892.